The following is an entry in ClinVar:

NM_133444.3(ZNF526):c.81G>A (p.Ser27=)

Gene: ZNF526 (zinc finger protein 526; plus strand). Cytogenetic location: 19q13.2.
Variant type: single nucleotide variant.
Coding change: c.81G>A on transcript NM_133444.3 (MANE Select); coding-DNA position 81, G replaced by A.
Protein change: p.Ser27=; no amino-acid change (serine 27 retained).
Molecular consequence: synonymous variant.
Genome position (GRCh38, 1-based): chr19:42,224,484, G>A. VCF-style: chr19-42224484-G-A. GRCh37 (hg19) VCF-style: chr19-42728636-G-A.
Other names: c.81G>A, p.Ser27= (NM_001314033.3).
Identifiers: ClinVar variation 130834 (VCV000130834.15), dbSNP rs149913848, ClinGen allele CA231681.
Genomic context (GRCh38, chr19:42,224,484, plus strand): 5'-GGTGGCCGAGATGCCAACACAGATGTCACCAGGGGCAGTGGAGATGTCAACACCTATGTC[G>A]GCAGAGATGATGGAGATGTCAACAGAAGTGACTGAGATGACACCTGGGGAGGCCCTTGCC-3'
Protein context (NP_597701.1, residues 17-37): PGAVEMSTPM[Ser27=]AEMMEMSTEV

ClinVar aggregate classification (germline): Conflicting classifications of pathogenicity. Review status: criteria provided, conflicting classifications (1 of 4 stars). 3 submissions from 3 submitters: Uncertain significance (1); Likely benign (2). Last evaluated 2025-07-01.

Allele frequency attached by ClinVar (database versions not stated): ExAC 0.00058; gnomAD exomes 0.00062 and 0.00135; gnomAD 0.00064 and 0.00069; TOPMed 0.00068; ESP Exome Variant Server 0.00069.
gnomAD v4.1: 2,022 of 1,614,060 alleles (0.13%); highest among the groups gnomAD compares: Non-Finnish European, 0.16%; 2 homozygotes.

Submissions (3):

CeGaT Center for Human Genetics Tuebingen
Classification: Likely benign. Last evaluated: 2025-07-01. Review status: criteria provided, single submitter. Criteria: CeGaT Center For Human Genetics Tuebingen Variant Classification Criteria Version 2. Collection method: clinical testing. Allele origin: germline. Affected: yes. Observed: 1 variant allele.
Comment: ZNF526: BP4, BP7

Blueprint Genetics
Classification: Likely benign. Last evaluated: 2024-11-06. Review status: criteria provided, single submitter. Criteria: ACMG Guidelines, 2015. Collection method: clinical testing. Allele origin: germline.

Genetic Services Laboratory, University of Chicago
Classification: Uncertain significance. Last evaluated: 2013-04-01. Review status: criteria provided, single submitter. Criteria: ACMG Guidelines, 2007. Collection method: clinical testing. Allele origin: germline. Inheritance: Autosomal recessive inheritance.